The following is an entry in ClinVar:

ClinVar aggregate classification (germline): Uncertain significance (1 of 4 stars; one submission).

Conditions:
Brugada syndrome. Also called: Sudden unexplained nocturnal death syndrome; Sudden Unexplained Death Syndrome; Sudden Unexplained Nocturnal Death Syndrome (SUNDS); Sudden unexpected nocturnal death syndrome. Identifiers: Orphanet 130, MedGen C1142166, MONDO:0015263.

Allele frequency attached by ClinVar (database versions not stated): gnomAD exomes below 0.00001; TOPMed below 0.00001; gnomAD 0.00001.

Submission:

Labcorp Genetics (formerly Invitae), Labcorp
Classification: Uncertain significance for Brugada syndrome. Last evaluated: 2018-03-07. Review status: criteria provided, single submitter. Criteria: Invitae Variant Classification Sherloc (09022015). Collection method: clinical testing. Allele origin: germline.
Comment: This sequence change creates a premature translational stop signal (p.Cys1219Alafs*8) in the SCN10A gene. It is expected to result in an absent or disrupted protein product. This variant is not present in population databases (ExAC no frequency). This variant has not been reported in the literature in individuals with SCN10A-related disease. The current clinical and genetic evidence is not sufficient to establish whether loss-of-function variants in SCN10A cause disease. In summary, the available evidence is currently insufficient to determine the role of this variant in disease. Therefore, it has been classified as a Variant of Uncertain Significance.

NM_006514.4(SCN10A):c.3655del (p.Cys1219fs)

Gene: SCN10A (sodium voltage-gated channel alpha subunit 10; minus strand). Cytogenetic location: 3p22.2.
Variant type: Deletion.
Coding change: c.3655del on transcript NM_006514.4 (MANE Select); coding-DNA position 3655, one base deleted (T; older notation c.3655delT).
Protein change: p.Cys1219fs; shifts the reading frame from cysteine 1219.
Molecular consequence: frameshift variant.
Genome position (GRCh38, 1-based): chr3:38,718,679, A deleted on the plus strand (T on the coding strand, the reverse complement: SCN10A is on the minus strand). VCF-style (leftmost placement, unchanged base first): chr3-38718678-CA-C. GRCh37 (hg19) VCF-style: chr3-38760169-CA-C.
Other names: c.3652del, p.Cys1218fs (NM_001293306.2); c.3361del, p.Cys1121fs (NM_001293307.2); c.3655delT (NM_006514.3); short protein forms C1219fs, C1218fs, C1121fs.
Identifiers: ClinVar variation 565738 (VCV000565738.5), dbSNP rs1559419984, ClinGen allele CA891842796.